The following is an entry in ClinVar:

NM_005609.4(PYGM):c.1527G>T (p.Gly509=)

Gene: PYGM (glycogen phosphorylase, muscle associated; minus strand). Cytogenetic location: 11q13.1.
Variant type: single nucleotide variant.
Coding change: c.1527G>T on transcript NM_005609.4 (MANE Select); coding-DNA position 1527, G replaced by T.
Protein change: p.Gly509=; no amino-acid change (glycine 509 retained).
Molecular consequence: synonymous variant.
Genome position (GRCh38, 1-based): chr11:64,752,496, C>A on the plus strand (G>T on the coding strand, the complement: PYGM is on the minus strand). VCF-style: chr11-64752496-C-A. GRCh37 (hg19) VCF-style: chr11-64519968-C-A.
Other names: c.1263G>T, p.Gly421= (NM_001164716.1).
Identifiers: ClinVar variation 386091 (VCV000386091.19), dbSNP rs114730784, ClinGen allele CA6079817.

ClinVar aggregate classification (germline): Benign/Likely benign. Review status: criteria provided, multiple submitters, no conflicts (2 of 4 stars). 6 submissions from 6 submitters: Benign (2); Likely benign (2). 2 of the submissions do not count toward it. Last evaluated 2026-01-24.

Conditions:
PYGM-related disorder. Also called: PYGM-related condition.
Glycogen storage disease, type V (GSD5). Also called: McArdle type glycogen storage disease; MCARDLE DISEASE; MUSCLE GLYCOGEN PHOSPHORYLASE DEFICIENCY; MYOPHOSPHORYLASE DEFICIENCY; PYGM DEFICIENCY. Identifiers: Orphanet 368, MedGen C0017924, MONDO:0009293, OMIM 232600.

Allele frequency attached by ClinVar (database versions not stated): gnomAD 0.00023 and 0.00036; TOPMed 0.00032; ExAC 0.00055; gnomAD exomes 0.00058; 1000 Genomes Project 30x 0.00234; 1000 Genomes Project 0.00260.
gnomAD v4.1: 363 of 1,613,968 alleles (0.022%); highest among the groups gnomAD compares: East Asian, 0.47%; 4 homozygotes.

Submissions (6):

Labcorp Genetics (formerly Invitae), Labcorp
Classification: Benign for Glycogen storage disease, type V. Last evaluated: 2026-01-24. Review status: criteria provided, single submitter. Criteria: Invitae Variant Classification Sherloc (09022015). Collection method: clinical testing. Allele origin: germline.

Blueprint Genetics
Classification: Likely benign. Last evaluated: 2024-11-01. Review status: criteria provided, single submitter. Criteria: ACMG Guidelines, 2015. Collection method: clinical testing. Allele origin: germline.

Illumina Laboratory Services, Illumina
Classification: Likely benign for Glycogen storage disease, type V. Last evaluated: 2018-01-13. Review status: criteria provided, single submitter. Criteria: ICSL Variant Classification Criteria 13 December 2019. Collection method: clinical testing. Allele origin: germline.
Comment: This variant was observed in the ICSL laboratory as part of a predisposition screen in an ostensibly healthy population. It had not been previously curated by ICSL or reported in the Human Gene Mutation Database (HGMD: prior to June 1st, 2018), and was therefore a candidate for classification through an automated scoring system. Utilizing variant allele frequency, disease prevalence and penetrance estimates, and inheritance mode, an automated score was calculated to assess if this variant is too frequent to cause the disease. Based on the score and internal cut-off values, a variant classified as likely benign is not then subjected to further curation. The score for this variant resulted in a classification of likely benign for this disease.

GeneDx
Classification: Benign. Last evaluated: 2016-06-07. Review status: criteria provided, single submitter. Criteria: GeneDx Variant Classification (06012015). Collection method: clinical testing. Allele origin: germline. Affected: yes.
Comment: This variant is considered likely benign or benign based on one or more of the following criteria: it is a conservative change, it occurs at a poorly conserved position in the protein, it is predicted to be benign by multiple in silico algorithms, and/or has population frequency not consistent with disease.

PreventionGenetics, part of Exact Sciences
Classification: Benign for PYGM-related condition. Last evaluated: 2020-10-21. Review status: no assertion criteria provided. Collection method: clinical testing. Allele origin: germline. Not counted in ClinVar's aggregate classification.
Comment: This variant is classified as benign based on ACMG/AMP sequence variant interpretation guidelines (Richards et al. 2015 PMID: 25741868, with internal and published modifications).

Natera, Inc.
Classification: Benign for Glycogen storage disease V. Last evaluated: 2020-09-16. Review status: no assertion criteria provided. Collection method: clinical testing. Allele origin: germline. Not counted in ClinVar's aggregate classification.